The following is an entry in ClinVar:

NM_152594.3(SPRED1):c.407G>A (p.Gly136Glu)

Gene: SPRED1 (sprouty related EVH1 domain containing 1; plus strand). Cytogenetic location: 15q14.
Variant type: single nucleotide variant.
Coding change: c.407G>A on transcript NM_152594.3 (MANE Select); coding-DNA position 407, G replaced by A.
Protein change: p.Gly136Glu; replaces glycine 136 with glutamic acid.
Molecular consequence: missense variant.
Genome position (GRCh38, 1-based): chr15:38,324,793, G>A. VCF-style: chr15-38324793-G-A. GRCh37 (hg19) VCF-style: chr15-38616994-G-A.
Other names: short protein forms G136E.
Identifiers: ClinVar variation 4174034 (VCV004174034.1).

ClinVar aggregate classification (germline): Uncertain significance (1 of 4 stars; one submission).

Conditions:
Cardiovascular phenotype. Identifiers: MedGen CN230736.

gnomAD v4.1: 1 of 1,611,654 alleles (0.000062%); highest among the groups gnomAD compares: Non-Finnish European, 0.000085%; no homozygotes.

Submission:

Ambry Genetics
Classification: Uncertain significance for Cardiovascular phenotype. Last evaluated: 2025-07-17. Review status: criteria provided, single submitter. Criteria: Ambry Variant Classification Scheme 2023. Collection method: clinical testing. Allele origin: germline.
Comment: The p.G136E variant (also known as c.407G>A), located in coding exon 4 of the SPRED1 gene, results from a G to A substitution at nucleotide position 407. The glycine at codon 136 is replaced by glutamic acid, an amino acid with similar properties. This amino acid position is conserved. In addition, this alteration is predicted to be tolerated by in silico analysis. Based on the available evidence, the clinical significance of this variant remains unclear.